The following is an entry in ClinVar:

NM_001267550.2(TTN):c.95068G>A (p.Val31690Met)

Genes: TTN (titin; minus strand), TTN-AS1 (TTN antisense RNA 1; plus strand). Cytogenetic location: 2q31.2.
Variant type: single nucleotide variant.
Coding change: c.95068G>A on transcript NM_001267550.2 (MANE Select); coding-DNA position 95068, G replaced by A.
Protein change: p.Val31690Met; replaces valine 31690 with methionine.
Molecular consequence: missense variant.
Genome position (GRCh38, 1-based): chr2:178,546,263, C>T on the plus strand (G>A on the coding strand, the complement: TTN is on the minus strand). VCF-style: chr2-178546263-C-T. GRCh37 (hg19) VCF-style: chr2-179410990-C-T.
Other names: c.90145G>A, p.Val30049Met (NM_001256850.1); c.87364G>A, p.Val29122Met (NM_133378.4); c.67873G>A, p.Val22625Met (NM_003319.4); c.68248G>A, p.Val22750Met (NM_133432.3); c.68449G>A, p.Val22817Met (NM_133437.4); short protein forms V29122M, V31690M, V22625M, V30049M, V22817M, V22750M.
Identifiers: ClinVar variation 165714 (VCV000165714.9), dbSNP rs727503543, ClinGen allele CA178420.

ClinVar aggregate classification (germline): Conflicting classifications of pathogenicity. Review status: criteria provided, conflicting classifications (1 of 4 stars). 4 submissions from 4 submitters: Uncertain significance (3); Likely benign (1). Last evaluated 2024-04-29.

Conditions:
Cardiovascular phenotype. Identifiers: MedGen CN230736.

Allele frequency attached by ClinVar (database versions not stated): ExAC 0.00001; gnomAD exomes 0.00001; TOPMed 0.00002; gnomAD 0.00003 and 0.00004.
gnomAD v4.1: 75 of 1,613,578 alleles (0.0046%); highest among the groups gnomAD compares: Non-Finnish European, 0.0061%; no homozygotes.

Submissions (4):

Women's Health and Genetics/Laboratory Corporation of America, LabCorp
Classification: Uncertain significance. Last evaluated: 2024-04-29. Review status: criteria provided, single submitter. Criteria: LabCorp Variant Classification Summary - May 2015. Collection method: clinical testing. Allele origin: germline.
Comment: Variant summary: TTN c.87364G>A (p.Val29122Met) results in a conservative amino acid change located in the A-band region of the encoded protein sequence. Three of five in-silico tools predict a damaging effect of the variant on protein function. The variant allele was found at a frequency of 8e-06 in 248580 control chromosomes. The available data on variant occurrences in the general population are insufficient to allow any conclusion about variant significance. To our knowledge, no occurrence of c.87364G>A in individuals affected with Dilated Cardiomyopathy and no experimental evidence demonstrating its impact on protein function have been reported. ClinVar contains an entry for this variant (Variation ID: 165714). Based on the evidence outlined above, the variant was classified as uncertain significance.

GeneDx
Classification: Likely benign. Last evaluated: 2018-06-01. Review status: criteria provided, single submitter. Criteria: GeneDx Variant Classification (06012015). Collection method: clinical testing. Allele origin: germline. Affected: yes.
Comment: This variant is considered likely benign or benign based on one or more of the following criteria: it is a conservative change, it occurs at a poorly conserved position in the protein, it is predicted to be benign by multiple in silico algorithms, and/or has population frequency not consistent with disease.

Ambry Genetics
Classification: Uncertain significance for Cardiovascular phenotype. Last evaluated: 2018-04-27. Review status: criteria provided, single submitter. Criteria: Ambry Variant Classification Scheme 2023. Collection method: clinical testing. Allele origin: germline.
Comment: The p.V22625M variant (also known as c.67873G>A), located in coding exon 169 of the TTN gene, results from a G to A substitution at nucleotide position 67873. The valine at codon 22625 is replaced by methionine, an amino acid with highly similar properties. This amino acid position is highly conserved in available vertebrate species. In addition, this alteration is predicted to be tolerated by in silico analysis. Since supporting evidence is limited at this time, the clinical significance of this alteration remains unclear.

Laboratory for Molecular Medicine, Mass General Brigham Personalized Medicine
Classification: Uncertain significance. Last evaluated: 2014-02-06. Review status: criteria provided, single submitter. Criteria: LMM Criteria. Collection method: clinical testing. Allele origin: germline. Observed: 2 variant alleles.
Comment: The Val29122Met variant in TTN has not been reported in individuals with cardiom yopathy or in large population studies. Computational analyses (biochemical amin o acid properties, conservation, AlignGVGD, PolyPhen2, and SIFT) do not provide strong support for or against an impact to the protein. Additional information i s needed to fully assess the clinical significance of the Val29122Met variant.